The following is an entry in ClinVar:

ClinVar aggregate classification (germline): Conflicting classifications of pathogenicity. Review status: criteria provided, conflicting classifications (1 of 4 stars). 7 submissions from 3 submitters: Uncertain significance (1); Benign (5); Likely benign (1). Last evaluated 2026-01-26.

Conditions:
Hypokalemic periodic paralysis, type 2 (HOKPP2). Identifiers: Orphanet 681, MedGen C2750061, MONDO:0013234, OMIM 613345.
Congenital myasthenic syndrome 16. Identifiers: Orphanet 590, MedGen C3280112, MONDO:0013620, OMIM 614198.
Potassium-aggravated myotonia. Also called: Myotonia congenita, atypical, acetazolamide-responsive; MYOTONIA CONGENITA, ACETAZOLAMIDE-RESPONSIVE; MYOTONIA CONGENITA, ATYPICAL; SODIUM CHANNEL MUSCLE DISEASE. Identifiers: Orphanet 612, Orphanet 99734, Orphanet 99735, Orphanet 99736, MedGen C2931826, MONDO:0018959, OMIM 608390.
Hyperkalemic periodic paralysis. Also called: Familial hyperkalemic periodic paralysis; Gamstorp disease. Identifiers: Orphanet 682, MedGen C0238357, MONDO:0008224, OMIM 170500, HP:0007215.
Paramyotonia congenita of Von Eulenburg. Also called: Paramyotonia Congenita; PARALYSIS PERIODICA PARAMYOTONICA; Eulenburg disease; Myotonia congenita intermittens; Von Eulenburg paramyotonia congenita. Identifiers: Orphanet 684, MedGen C0221055, MONDO:0008195, OMIM 168300. Disease mechanism: loss of function.

Allele frequency attached by ClinVar (database versions not stated): ExAC 0.00026; gnomAD 0.00010; TOPMed 0.00011; 1000 Genomes Project 0.00160; 1000 Genomes Project 30x 0.00141.
gnomAD v4.1: 109 of 1,612,954 alleles (0.0068%); highest among the groups gnomAD compares: East Asian, 0.23%; no homozygotes.

Submissions (7):

Labcorp Genetics (formerly Invitae), Labcorp
Classification: Benign for Hyperkalemic periodic paralysis. Last evaluated: 2026-01-26. Review status: criteria provided, single submitter. Criteria: Invitae Variant Classification Sherloc (09022015). Collection method: clinical testing. Allele origin: germline.

Blueprint Genetics
Classification: Likely benign. Last evaluated: 2024-08-22. Review status: criteria provided, single submitter. Criteria: ACMG Guidelines, 2015. Collection method: clinical testing. Allele origin: germline.

Illumina Laboratory Services, Illumina
Classification: Uncertain significance for Congenital myasthenic syndrome 16. Last evaluated: 2018-01-12. Review status: criteria provided, single submitter. Criteria: ICSL Variant Classification Criteria 13 December 2019. Collection method: clinical testing. Allele origin: germline.

Illumina Laboratory Services, Illumina
Classification: Benign for Hyperkalemic periodic paralysis. Last evaluated: 2018-01-12. Review status: criteria provided, single submitter. Criteria: ICSL Variant Classification Criteria 13 December 2019. Collection method: clinical testing. Allele origin: germline.
Comment: This variant was observed in the ICSL laboratory as part of a predisposition screen in an ostensibly healthy population. It had not been previously curated by ICSL or reported in the Human Gene Mutation Database (HGMD: prior to June 1st, 2018), and was therefore a candidate for classification through an automated scoring system. Utilizing variant allele frequency, disease prevalence and penetrance estimates, and inheritance mode, an automated score was calculated to assess if this variant is too frequent to cause the disease. Based on the score and internal cut-off values, a variant classified as benign is not then subjected to further curation. The score for this variant resulted in a classification of benign for this disease.

Illumina Laboratory Services, Illumina
Classification: Benign for Hypokalemic periodic paralysis, type 2. Last evaluated: 2018-01-12. Review status: criteria provided, single submitter. Criteria: ICSL Variant Classification Criteria 13 December 2019. Collection method: clinical testing. Allele origin: germline.
Comment: the same text as in the submission from Illumina Laboratory Services, Illumina above.

Illumina Laboratory Services, Illumina
Classification: Benign for Paramyotonia congenita of Von Eulenburg. Last evaluated: 2018-01-12. Review status: criteria provided, single submitter. Criteria: ICSL Variant Classification Criteria 13 December 2019. Collection method: clinical testing. Allele origin: germline.
Comment: the same text as in the submission from Illumina Laboratory Services, Illumina above.

Illumina Laboratory Services, Illumina
Classification: Benign for Potassium-aggravated myotonia. Last evaluated: 2018-01-12. Review status: criteria provided, single submitter. Criteria: ICSL Variant Classification Criteria 13 December 2019. Collection method: clinical testing. Allele origin: germline.
Comment: the same text as in the submission from Illumina Laboratory Services, Illumina above.

NM_000334.4(SCN4A):c.1100+15G>A

Gene: SCN4A (sodium voltage-gated channel alpha subunit 4; minus strand). Cytogenetic location: 17q23.3.
Variant type: single nucleotide variant.
Coding change: c.1100+15G>A on transcript NM_000334.4 (MANE Select); 15 bases into the intron after coding-DNA position 1100, G replaced by A.
Molecular consequence: intron variant.
Genome position (GRCh38, 1-based): chr17:63,966,466, C>T on the plus strand (G>A on the coding strand, the complement: SCN4A is on the minus strand). VCF-style: chr17-63966466-C-T. GRCh37 (hg19) VCF-style: chr17-62043826-C-T.
Identifiers: ClinVar variation 324547 (VCV000324547.19), dbSNP rs533321924, ClinGen allele CA8709937.
Genomic context (GRCh38, chr17:63,966,466, plus strand): 5'-GGTCCTCATCTCTAATCAGCTCCCACCTTCCAAGACCCCTGGGGTGCCTTTTCTGCATCC[C>T]TTAGCATCACTCACCCAGCATCACTGCTGTTCCCACAGAGCAGGGCATCGTTGGAGCCCT-3'